The following is an entry in ClinVar:

ClinVar aggregate classification (germline): Uncertain significance (1 of 4 stars; one submission).

Conditions:
Inborn genetic diseases. Identifiers: MedGen C0950123, MeSH D030342.

Submission:

Ambry Genetics
Classification: Uncertain significance for Inborn genetic diseases. Last evaluated: 2021-06-21. Review status: criteria provided, single submitter. Criteria: Ambry Variant Classification Scheme 2023. Collection method: clinical testing. Allele origin: germline.
Comment: The p.S2270G variant (also known as c.6808A>G), located in coding exon 45 of the DST gene, results from an A to G substitution at nucleotide position 6808. The serine at codon 2270 is replaced by glycine, an amino acid with similar properties. This amino acid position is not well conserved in available vertebrate species. In addition, this alteration is predicted to be tolerated by in silico analysis. Since supporting evidence is limited at this time, the clinical significance of this alteration remains unclear.

NM_001374736.1(DST):c.13165A>G (p.Ser4389Gly)

Gene: DST (dystonin; minus strand). Cytogenetic location: 6p12.1.
Variant type: single nucleotide variant.
Coding change: c.13165A>G on transcript NM_001374736.1 (MANE Select); coding-DNA position 13165, A replaced by G.
Protein change: p.Ser4389Gly; replaces serine 4389 with glycine.
Molecular consequence: missense variant.
Genome position (GRCh38, 1-based): chr6:56,573,750, T>C on the plus strand (A>G on the coding strand, the complement: DST is on the minus strand). VCF-style: chr6-56573750-T-C. GRCh37 (hg19) VCF-style: chr6-56438548-T-C.
Other names: c.6808A>G, p.Ser2270Gly (NM_001144769.5); c.6394A>G, p.Ser2132Gly (NM_001144770.2); c.13165A>G, p.Ser4389Gly (NM_001374722.1); c.12532A>G, p.Ser4178Gly (NM_001374729.1); c.6274A>G, p.Ser2092Gly (NM_001374730.1, NM_001386100.1, NM_183380.4); c.13192A>G, p.Ser4398Gly (NM_001374734.1); c.5296A>G, p.Ser1766Gly (NM_015548.5); short protein forms S1766G, S2092G, S2132G, S2270G, S4178G, S4389G, S4398G.
Identifiers: ClinVar variation 1755553 (VCV001755553.2), dbSNP rs2535775206, ClinGen allele CA364527941.